The following is an entry in ClinVar:

NM_145725.3(TRAF3):c.1297G>A (p.Val433Ile)

Gene: TRAF3 (TNF receptor associated factor 3; plus strand). Cytogenetic location: 14q32.32.
Variant type: single nucleotide variant.
Coding change: c.1297G>A on transcript NM_145725.3 (MANE Select); coding-DNA position 1297, G replaced by A.
Protein change: p.Val433Ile; replaces valine 433 with isoleucine.
Molecular consequence: missense variant.
Genome position (GRCh38, 1-based): chr14:102,905,374, G>A. VCF-style: chr14-102905374-G-A. GRCh37 (hg19) VCF-style: chr14-103371711-G-A.
Other names: c.1048G>A, p.Val350Ile (NM_001199427.2); c.1156G>A, p.Val386Ile (NM_001385142.1); c.1216G>A, p.Val406Ile (NM_001385143.1); c.1297G>A, p.Val433Ile (NM_003300.4); c.1222G>A, p.Val408Ile (NM_145726.3); short protein forms V350I, V406I, V386I, V408I, V433I.
Identifiers: ClinVar variation 2725902 (VCV002725902.3), dbSNP rs761284018, ClinGen allele CA7359596.
Genomic context (GRCh38, chr14:102,905,374, plus strand): 5'-AGCTACAATGGAGTGCTCATCTGGAAGATTCGCGACTACAAGCGGCGGAAGCAGGAGGCC[G>A]TCATGGGGAAGACCCTGTCCCTTTACAGCCAGCCTTTCTACACTGGTTACTTTGGCTATA-3'
Protein context (NP_663777.1, residues 423-443): RDYKRRKQEA[Val433Ile]MGKTLSLYSQ

ClinVar aggregate classification (germline): Uncertain significance (1 of 4 stars; one submission).

Conditions:
Immunodeficiency 132A. Also called: Herpes simplex encephalitis, susceptibility to, 3. Identifiers: Orphanet 1930, MedGen C3553868, MONDO:0013920, OMIM 614849.

Allele frequency attached by ClinVar (database versions not stated): ExAC 0.00001; gnomAD 0.00003; gnomAD exomes 0.00003; TOPMed 0.00003.
gnomAD v4.1: 43 of 1,614,150 alleles (0.0027%); highest among the groups gnomAD compares: Non-Finnish European, 0.0031%; no homozygotes.

Submission:

Labcorp Genetics (formerly Invitae), Labcorp
Classification: Uncertain significance for Immunodeficiency 132A. Last evaluated: 2024-04-25. Review status: criteria provided, single submitter. Criteria: Invitae Variant Classification Sherloc (09022015). Collection method: clinical testing. Allele origin: germline.
Comment: This sequence change replaces valine, which is neutral and non-polar, with isoleucine, which is neutral and non-polar, at codon 433 of the TRAF3 protein (p.Val433Ile). This variant is present in population databases (rs761284018, gnomAD 0.004%). This variant has not been reported in the literature in individuals affected with TRAF3-related conditions. An algorithm developed to predict the effect of missense changes on protein structure and function (PolyPhen-2) suggests that this variant is likely to be tolerated. In summary, the available evidence is currently insufficient to determine the role of this variant in disease. Therefore, it has been classified as a Variant of Uncertain Significance.